The following is an entry in ClinVar:

NM_152468.5(TMC8):c.987+2T>A

Gene: TMC8 (transmembrane channel like 8; plus strand). Cytogenetic location: 17q25.3.
Variant type: single nucleotide variant.
Coding change: c.987+2T>A on transcript NM_152468.5 (MANE Select); the canonical splice donor site of the intron after coding-DNA position 987, T replaced by A.
Molecular consequence: splice donor variant.
Genome position (GRCh38, 1-based): chr17:78,134,566, T>A. VCF-style: chr17-78134566-T-A. GRCh37 (hg19) VCF-style: chr17-76130647-T-A.
Identifiers: ClinVar variation 1522815 (VCV001522815.8), dbSNP rs2145664236, ClinGen allele CA401245795.

ClinVar aggregate classification (germline): Likely pathogenic (1 of 4 stars; one submission).

Conditions:
Epidermodysplasia verruciformis. Identifiers: Orphanet 302, MedGen C0014522, MONDO:0009176.

Submission:

Labcorp Genetics (formerly Invitae), Labcorp
Classification: Likely pathogenic for Epidermodysplasia verruciformis. Last evaluated: 2022-08-31. Review status: criteria provided, single submitter. Criteria: Invitae Variant Classification Sherloc (09022015). Collection method: clinical testing. Allele origin: germline.
Comment: This variant has not been reported in the literature in individuals affected with TMC8-related conditions. ClinVar contains an entry for this variant (Variation ID: 1522815). This variant is not present in population databases (gnomAD no frequency). This sequence change affects a donor splice site in intron 8 of the TMC8 gene. It is expected to disrupt RNA splicing. Variants that disrupt the donor or acceptor splice site typically lead to a loss of protein function (PMID: 16199547), and loss-of-function variants in TMC8 are known to be pathogenic (PMID: 12426567, 22158547). In summary, the currently available evidence indicates that the variant is pathogenic, but additional data are needed to prove that conclusively. Therefore, this variant has been classified as Likely Pathogenic. Algorithms developed to predict the effect of sequence changes on RNA splicing suggest that this variant may disrupt the consensus splice site.

Literature cited by the submitters: PubMed 16199547; PubMed 12426567; PubMed 22158547.